The following is an entry in ClinVar:

NM_002473.6(MYH9):c.3646G>A (p.Glu1216Lys)

Gene: MYH9 (myosin heavy chain 9; minus strand). Cytogenetic location: 22q12.3.
Variant type: single nucleotide variant.
Coding change: c.3646G>A on transcript NM_002473.6 (MANE Select); coding-DNA position 3646, G replaced by A.
Protein change: p.Glu1216Lys; replaces glutamic acid 1216 with lysine.
Molecular consequence: missense variant.
Genome position (GRCh38, 1-based): chr22:36,294,283, C>T on the plus strand (G>A on the coding strand, the complement: MYH9 is on the minus strand). VCF-style: chr22-36294283-C-T. GRCh37 (hg19) VCF-style: chr22-36690329-C-T.
Other names: short protein forms E1216K.
Identifiers: ClinVar variation 2859012 (VCV002859012.4), dbSNP rs2016755216, ClinGen allele CA411386945.
Genomic context (GRCh38, chr22:36,294,283, plus strand): 5'-GCACCTTCACCTCGTTGGCCAGCTCCCCCCGCTCGTTCTCCAGAGTCTGCTTTGCCTTCT[C>T]GAGGTTTGCTTTCACCTAGCAGGGAAGAAAGCAAAGACGTGAGTGGGGGCCTCCTGACAC-3'
Protein context (NP_002464.1, residues 1206-1226): EQTKRVKANL[Glu1216Lys]KAKQTLENER

ClinVar aggregate classification (germline): Uncertain significance. Review status: criteria provided, multiple submitters, no conflicts (2 of 4 stars). 2 submissions from 2 submitters: Uncertain significance (2). Last evaluated 2026-03-04.

Allele frequency attached by ClinVar (database versions not stated): gnomAD exomes 0.00001.
gnomAD v4.1: 12 of 1,613,920 alleles (0.00074%); highest among the groups gnomAD compares: East Asian, 0.0022%; no homozygotes.

Submissions (2):

Women's Health and Genetics/Laboratory Corporation of America, LabCorp
Classification: Uncertain significance. Last evaluated: 2026-03-04. Review status: criteria provided, single submitter. Criteria: LabCorp Variant Classification Summary - May 2015. Collection method: clinical testing. Allele origin: germline.
Comment: Variant summary: MYH9 c.3646G>A (p.Glu1216Lys) results in a conservative amino acid change in the encoded protein sequence. Algorithms developed to predict the effect of missense changes on protein structure and function are either unavailable or do not agree on the potential impact of this missense change. The variant was absent in 250860 control chromosomes. The available data on variant occurrences in the general population are insufficient to allow any conclusion about variant significance. To our knowledge, no occurrence of c.3646G>A in individuals affected with MYH9-related conditions and no experimental evidence demonstrating its impact on protein function have been reported. ClinVar contains an entry for this variant (Variation ID: 2859012). Based on the evidence outlined above, the variant was classified as uncertain significance.

Labcorp Genetics (formerly Invitae), Labcorp
Classification: Uncertain significance. Last evaluated: 2024-03-28. Review status: criteria provided, single submitter. Criteria: Invitae Variant Classification Sherloc (09022015). Collection method: clinical testing. Allele origin: germline.
Comment: This sequence change replaces glutamic acid, which is acidic and polar, with lysine, which is basic and polar, at codon 1216 of the MYH9 protein (p.Glu1216Lys). This variant is not present in population databases (gnomAD no frequency). This variant has not been reported in the literature in individuals affected with MYH9-related conditions. Advanced modeling of protein sequence and biophysical properties (such as structural, functional, and spatial information, amino acid conservation, physicochemical variation, residue mobility, and thermodynamic stability) performed at Invitae indicates that this missense variant is not expected to disrupt MYH9 protein function with a negative predictive value of 80%. In summary, the available evidence is currently insufficient to determine the role of this variant in disease. Therefore, it has been classified as a Variant of Uncertain Significance.